The following is an entry in ClinVar:

NM_003872.3(NRP2):c.291C>T (p.Ser97=)

Gene: NRP2 (neuropilin 2; plus strand). Cytogenetic location: 2q33.3.
Variant type: single nucleotide variant.
Coding change: c.291C>T on transcript NM_003872.3 (MANE Select); coding-DNA position 291, C replaced by T.
Protein change: p.Ser97=; no amino-acid change (serine 97 retained).
Molecular consequence: synonymous variant.
Genome position (GRCh38, 1-based): chr2:205,716,232, C>T. VCF-style: chr2-205716232-C-T. GRCh37 (hg19) VCF-style: chr2-206580956-C-T.
Other names: c.291C>T, p.Ser97= (NM_018534.4, NM_201264.2, NM_201266.2 and 2 more transcripts).
Identifiers: ClinVar variation 4978246 (VCV004978246.1).
Genomic context (GRCh38, chr2:205,716,232, plus strand): 5'-GTCTGTGCCATCCCCACCCAGGTATGACTTTATCGAGATTCGGGATGGGGACAGTGAATC[C>T]GCAGACCTCCTGGGCAAACACTGTGGGAACATCGCCCCGCCCACCATCATCTCCTCGGGC-3'
Protein context (NP_003863.2, residues 87-107): FIEIRDGDSE[Ser97=]ADLLGKHCGN

ClinVar aggregate classification (germline): Likely benign (1 of 4 stars; one submission).

Conditions:
NRP2-related disorder. Also called: NRP2-related condition.

gnomAD v4.1: 42 of 1,614,158 alleles (0.0026%); highest among the groups gnomAD compares: African/African-American, 0.021%; 1 homozygote.

Submission:

PreventionGenetics, part of Exact Sciences
Classification: Likely benign for NRP2-related condition. Last evaluated: 2025-11-10. Review status: criteria provided, single submitter. Criteria: ACMG Guidelines, 2015. Collection method: clinical testing. Allele origin: germline.
Comment: This variant is classified as likely benign based on ACMG/AMP sequence variant interpretation guidelines (Richards et al. 2015 PMID: 25741868, with internal and published modifications).